The following is an entry in ClinVar:

NM_024675.4(PALB2):c.3374A>T (p.Asp1125Val)

Gene: PALB2 (partner and localizer of BRCA2; minus strand). Cytogenetic location: 16p12.2.
Variant type: single nucleotide variant.
Coding change: c.3374A>T on transcript NM_024675.4 (MANE Select); coding-DNA position 3374, A replaced by T.
Protein change: p.Asp1125Val; replaces aspartic acid 1125 with valine.
Molecular consequence: missense variant.
Genome position (GRCh38, 1-based): chr16:23,603,646, T>A on the plus strand (A>T on the coding strand, the complement: PALB2 is on the minus strand). VCF-style: chr16-23603646-T-A. GRCh37 (hg19) VCF-style: chr16-23614967-T-A.
Other names: short protein forms D1125V.
Identifiers: ClinVar variation 957342 (VCV000957342.10), dbSNP rs1966405277, ClinGen allele CA395138324.

ClinVar aggregate classification (germline): Uncertain significance (1 of 4 stars; one submission).

Conditions:
Familial cancer of breast. Also called: BREAST CANCER, FAMILIAL; Hereditary breast cancer; hereditary breast carcinoma. Identifiers: Orphanet 227535, MedGen C0346153, MONDO:0016419, OMIM 114480. Disease mechanism: loss of function.

Submission:

Labcorp Genetics (formerly Invitae), Labcorp
Classification: Uncertain significance for Familial cancer of breast. Last evaluated: 2024-06-21. Review status: criteria provided, single submitter. Criteria: Invitae Variant Classification Sherloc (09022015). Collection method: clinical testing. Allele origin: germline.
Comment: This sequence change replaces aspartic acid, which is acidic and polar, with valine, which is neutral and non-polar, at codon 1125 of the PALB2 protein (p.Asp1125Val). This variant is not present in population databases (gnomAD no frequency). This variant has not been reported in the literature in individuals affected with PALB2-related conditions. ClinVar contains an entry for this variant (Variation ID: 957342). An algorithm developed to predict the effect of missense changes on protein structure and function (PolyPhen-2) suggests that this variant is likely to be disruptive. In summary, the available evidence is currently insufficient to determine the role of this variant in disease. Therefore, it has been classified as a Variant of Uncertain Significance.